The following is an entry in ClinVar:

NM_001369268.1(ACAN):c.7524C>T (p.Ser2508=)

Gene: ACAN (aggrecan; plus strand). Cytogenetic location: 15q26.1.
Variant type: single nucleotide variant.
Coding change: c.7524C>T on transcript NM_001369268.1 (MANE Select); coding-DNA position 7524, C replaced by T.
Protein change: p.Ser2508=; no amino-acid change (serine 2508 retained).
Molecular consequence: synonymous variant. On other transcripts: intron variant (1).
Genome position (GRCh38, 1-based): chr15:88,873,918, C>T. VCF-style: chr15-88873918-C-T. GRCh37 (hg19) VCF-style: chr15-89417149-C-T.
Other names: c.7410C>T, p.Ser2470= (NM_013227.4); c.7220-487C>T (NM_001135.4).
Identifiers: ClinVar variation 283854 (VCV000283854.45), dbSNP rs190361551, ClinGen allele CA7720717.

ClinVar aggregate classification (germline): Benign/Likely benign. Review status: criteria provided, multiple submitters, no conflicts (2 of 4 stars). 10 submissions from 8 submitters: Benign (6); Likely benign (2). 2 of the submissions do not count toward it. Last evaluated 2026-07-01.

Conditions:
Short stature and advanced bone age, with or without early-onset osteoarthritis and/or osteochondritis dissecans (SSOAOD). Identifiers: Orphanet 251262, MedGen C3665488, MONDO:0100462, OMIM 165800.
Spondyloepiphyseal dysplasia, Kimberley type. Identifiers: Orphanet 93283, MedGen C1842149, MONDO:0012019, OMIM 608361.
Spondyloepimetaphyseal dysplasia, aggrecan type. Also called: SEMD, AGGRECAN TYPE. Identifiers: Orphanet 171866, MedGen C2748544, MONDO:0013014, OMIM 612813.

Allele frequency attached by ClinVar (database versions not stated): 1000 Genomes Project 30x 0.00109; 1000 Genomes Project 0.00120; TOPMed 0.00246; gnomAD exomes 0.00253 and 0.00309; gnomAD 0.00261 and 0.00262; ExAC 0.00276; ESP Exome Variant Server 0.00382.
gnomAD v4.1: 4,912 of 1,613,804 alleles (0.3%); highest among the groups gnomAD compares: Middle Eastern, 0.88%; 17 homozygotes.

Submissions (10):

CeGaT Center for Human Genetics Tuebingen
Classification: Likely benign. Last evaluated: 2026-07-01. Review status: criteria provided, single submitter. Criteria: CeGaT Center For Human Genetics Tuebingen Variant Classification Criteria Version 2. Collection method: clinical testing. Allele origin: germline. Affected: yes. Observed: 2 variant alleles.
Comment: ACAN: BP4, BP7, BS2

Labcorp Genetics (formerly Invitae), Labcorp
Classification: Benign. Last evaluated: 2026-01-26. Review status: criteria provided, single submitter. Criteria: Invitae Variant Classification Sherloc (09022015). Collection method: clinical testing. Allele origin: germline.

Blueprint Genetics
Classification: Likely benign. Last evaluated: 2024-11-15. Review status: criteria provided, single submitter. Criteria: ACMG Guidelines, 2015. Collection method: clinical testing. Allele origin: germline.

Genome-Nilou Lab
Classification: Benign for Short stature and advanced bone age, with or without early-onset osteoarthritis and/or osteochondritis dissecans. Last evaluated: 2021-12-05. Review status: criteria provided, single submitter. Criteria: ACMG Guidelines, 2015. Collection method: clinical testing. Allele origin: germline. Affected: no.

Genome-Nilou Lab
Classification: Benign for Spondyloepimetaphyseal dysplasia, aggrecan type. Last evaluated: 2021-12-05. Review status: criteria provided, single submitter. Criteria: ACMG Guidelines, 2015. Collection method: clinical testing. Allele origin: germline. Affected: no.

Genome-Nilou Lab
Classification: Benign for Spondyloepiphyseal dysplasia, Kimberley type. Last evaluated: 2021-12-05. Review status: criteria provided, single submitter. Criteria: ACMG Guidelines, 2015. Collection method: clinical testing. Allele origin: germline. Affected: no.

Eurofins Ntd Llc (ga)
Classification: Benign. Last evaluated: 2015-10-19. Review status: criteria provided, single submitter. Criteria: EGL Classification Definitions 2015. Collection method: clinical testing. Allele origin: germline. Observed: 1 variant allele, 1 heterozygote.

Breakthrough Genomics
Classification: Benign. Review status: criteria provided, single submitter. Criteria: ACMG Guidelines, 2015. Collection method: not provided. Allele origin: germline. Inheritance: Autosomal recessive inheritance. Affected: yes.

Joint Genome Diagnostic Labs from Nijmegen and Maastricht, Radboudumc and MUMC+
Classification: Likely benign. Review status: no assertion criteria provided. Collection method: clinical testing. Allele origin: germline. Affected: yes. Study: VKGL Data-share Consensus. Not counted in ClinVar's aggregate classification.

Laboratory of Diagnostic Genome Analysis, Leiden University Medical Center (LUMC)
Classification: Likely benign. Review status: no assertion criteria provided. Collection method: clinical testing. Allele origin: germline. Affected: yes. Study: VKGL Data-share Consensus. Not counted in ClinVar's aggregate classification.